The following is an entry in ClinVar:

NM_004281.4(BAG3):c.463G>A (p.Ala155Thr)

Gene: BAG3 (BAG cochaperone 3; plus strand). Cytogenetic location: 10q26.11.
Variant type: single nucleotide variant.
Coding change: c.463G>A on transcript NM_004281.4 (MANE Select); coding-DNA position 463, G replaced by A.
Protein change: p.Ala155Thr; replaces alanine 155 with threonine.
Molecular consequence: missense variant.
Genome position (GRCh38, 1-based): chr10:119,670,133, G>A. VCF-style: chr10-119670133-G-A. GRCh37 (hg19) VCF-style: chr10-121429645-G-A.
Other names: p.A155T:GCA>ACA; short protein forms A155T.
Identifiers: ClinVar variation 44784 (VCV000044784.64), dbSNP rs61756328, ClinGen allele CA135022.
Genomic context (GRCh38, chr10:119,670,133, plus strand): 5'-CAGTCACCTCTGCGGGGCATGCCAGAAACCACTCAGCCAGATAAACAGTGTGGACAGGTG[G>A]CAGCGGCGGCGGCAGCCCAGCCCCCAGCCTCCCACGGACCTGAGGTAAGGAGAGGCCAGG-3'
Protein context (NP_004272.2, residues 145-165): TQPDKQCGQV[Ala155Thr]AAAAAQPPAS

ClinVar aggregate classification (germline): Conflicting classifications of pathogenicity. Review status: criteria provided, conflicting classifications (1 of 4 stars). 16 submissions from 15 submitters: Uncertain significance (1); Benign (9); Likely benign (6). Last evaluated 2026-09-01.

Conditions:
Cardiovascular phenotype. Identifiers: MedGen CN230736.
Myofibrillar myopathy 6. Identifiers: Orphanet 199340, MedGen C2751831, MONDO:0013061, OMIM 612954.
Dilated cardiomyopathy 1HH (CMD1HH). Identifiers: Orphanet 154, MedGen C3151293, MONDO:0013479, OMIM 613881.
Cardiomyopathy (CMYO). Also called: Cardiomyopathies. Identifiers: Orphanet 167848, MedGen C0878544, MONDO:0004994, HP:0001638. Inheritance: Various modes of inheritance.
Hypertrophic cardiomyopathy. Also called: HYPERTROPHIC MYOCARDIOPATHY. Identifiers: Orphanet 217569, MedGen C0007194, MeSH D002312, MONDO:0005045, HP:0001639.

Allele frequency attached by ClinVar (database versions not stated): gnomAD 0.00241 and 0.00239; TOPMed 0.00243; 1000 Genomes Project 30x 0.00141; 1000 Genomes Project 0.00180; gnomAD exomes 0.00291 and 0.00316; ExAC 0.00296.
gnomAD v4.1: 4,984 of 1,612,584 alleles (0.31%); highest among the groups gnomAD compares: Non-Finnish European, 0.33%; 23 homozygotes.

Submissions (30):

CeGaT Center for Human Genetics Tuebingen
Classification: Likely benign. Last evaluated: 2026-09-01. Review status: criteria provided, single submitter. Criteria: CeGaT Center For Human Genetics Tuebingen Variant Classification Criteria Version 2. Collection method: clinical testing. Allele origin: germline. Affected: yes. Observed: 55 variant alleles.
Comment: BAG3: BP4, BS2

Labcorp Genetics (formerly Invitae), Labcorp
Classification: Benign for Dilated cardiomyopathy 1HH; Myofibrillar myopathy 6. Last evaluated: 2026-02-03. Review status: criteria provided, single submitter. Criteria: Invitae Variant Classification Sherloc (09022015). Collection method: clinical testing. Allele origin: germline.

ARUP Laboratories, Molecular Genetics and Genomics, ARUP Laboratories
Classification: Likely benign. Last evaluated: 2025-04-07. Review status: criteria provided, single submitter. Criteria: ARUP Molecular Germline Variant Investigation Process 2024. Collection method: clinical testing. Allele origin: germline.

Mayo Clinic Laboratories, Mayo Clinic
Classification: Benign. Last evaluated: 2023-06-16. Review status: criteria provided, single submitter. Criteria: ACMG Guidelines, 2015. Collection method: clinical testing. Allele origin: germline. Observed: 30 variant alleles.
Comment: BS1, BS2, BP4

CHEO Genetics Diagnostic Laboratory, Children's Hospital of Eastern Ontario
Classification: Benign for Cardiomyopathy. Last evaluated: 2023-06-06. Review status: criteria provided, single submitter. Criteria: ACMG Guidelines, 2015. Collection method: clinical testing. Allele origin: germline.

Center for Advanced Laboratory Medicine, UC San Diego Health, University of California San Diego
Classification: Benign for Hypertrophic cardiomyopathy. Last evaluated: 2018-06-15. Review status: criteria provided, single submitter. Criteria: ACMG Guidelines, 2015. Collection method: clinical testing. Allele origin: germline. Affected: yes. Observed: 2 variant alleles.

Illumina Laboratory Services, Illumina
Classification: Uncertain significance for Dilated cardiomyopathy 1HH. Last evaluated: 2018-01-12. Review status: criteria provided, single submitter. Criteria: ICSL Variant Classification Criteria 13 December 2019. Collection method: clinical testing. Allele origin: germline.

Illumina Laboratory Services, Illumina
Classification: Benign for Myofibrillar myopathy 6. Last evaluated: 2018-01-12. Review status: criteria provided, single submitter. Criteria: ICSL Variant Classification Criteria 13 December 2019. Collection method: clinical testing. Allele origin: germline.
Comment: This variant was observed in the ICSL laboratory as part of a predisposition screen in an ostensibly healthy population. It had not been previously curated by ICSL or reported in the Human Gene Mutation Database (HGMD: prior to June 1st, 2018), and was therefore a candidate for classification through an automated scoring system. Utilizing variant allele frequency, disease prevalence and penetrance estimates, and inheritance mode, an automated score was calculated to assess if this variant is too frequent to cause the disease. Based on the score and internal cut-off values, a variant classified as benign is not then subjected to further curation. The score for this variant resulted in a classification of benign for this disease.

Ambry Genetics
Classification: Benign for Cardiovascular phenotype. Last evaluated: 2017-12-01. Review status: criteria provided, single submitter. Criteria: Ambry Variant Classification Scheme 2023. Collection method: clinical testing. Allele origin: germline.

GeneDx
Classification: Benign. Last evaluated: 2017-11-10. Review status: criteria provided, single submitter. Criteria: GeneDx Variant Classification (06012015). Collection method: clinical testing. Allele origin: germline. Affected: yes.
Comment: This variant is considered likely benign or benign based on one or more of the following criteria: it is a conservative change, it occurs at a poorly conserved position in the protein, it is predicted to be benign by multiple in silico algorithms, and/or has population frequency not consistent with disease.

Women's Health and Genetics/Laboratory Corporation of America, LabCorp
Classification: Benign. Last evaluated: 2017-08-16. Review status: criteria provided, single submitter. Criteria: LabCorp Variant Classification Summary - May 2015. Collection method: clinical testing. Allele origin: germline.
Comment: Variant summary: The BAG3 c.463G>A (p.Ala155Thr) variant involves the alteration of a non-conserved nucleotide. 4/5 in silico tools predict benign outcome for this variant. This variant was found in 352/117428 control chromosomes (4 homozygotes) from ExAC and literature at a frequency of 0.0029976, which is approximately 77 times the estimated maximal expected allele frequency of a pathogenic BAG3 variant (0.0000391), suggesting this variant is likely a benign polymorphism. In addition, multiple clinical diagnostic laboratories/reputable databases in ClinVar classified this variant as benign/likely benign. It is also regarded as benign in the literature (Ng_2013). To our knowledge, this variant t has not been reported in affected individuals via publications, nor has it been evaluated for functional impact by in vivo/vitro studies. Taken together, this variant is classified as benign.

Molecular Diagnostic Laboratory for Inherited Cardiovascular Disease, Montreal Heart Institute
Classification: Likely benign. Last evaluated: 2017-01-27. Review status: criteria provided, single submitter. Criteria: ACMG Guidelines, 2015. Collection method: clinical testing. Allele origin: germline. Affected: yes.

Laboratory for Molecular Medicine, Mass General Brigham Personalized Medicine
Classification: Likely benign. Last evaluated: 2017-01-23. Review status: criteria provided, single submitter. Criteria: LMM Criteria. Collection method: clinical testing. Allele origin: germline. Observed: 10 variant alleles.
Comment: p.Ala155Thr in exon 2 of BAG3: This variant is not expected to have clinical sig nificance due to a lack of conservation across species, including mammals. Of no te, wallaby, opossum, and platypus have a threonine (Thr) at this position despi te high nearby amino acid conservation. Computational analyses (AlignGVGD, PolyP hen2, SIFT) do not suggest a high likelihood of impact to the protein. In additi on, it has been identified in 0.5% (294/63478) of European (Non-Finnish) chromos omes by the Exome Aggregation Consortium (ExAC, SNP; rs61756328).

Eurofins Ntd Llc (ga)
Classification: Likely benign. Last evaluated: 2015-07-28. Review status: criteria provided, single submitter. Criteria: EGL Classification Definitions 2015. Collection method: clinical testing. Allele origin: germline. Observed: 1 variant allele.

Biesecker Lab/Clinical Genomics Section, National Institutes of Health
Classification: Benign. Last evaluated: 2013-06-24. Review status: criteria provided, single submitter. Criteria: Ng et al. (Circ Cardiovasc Genet. 2013). Collection method: research. Allele origin: unknown. Observed: 8 variant alleles. Study: ClinSeq.
Comment: The study set was not selected for affection status in relation to any cancer. Pathogenicity categories were based on literature curation. See Pubmed ID:23861362 for details.

Medical sequencing

PreventionGenetics, part of Exact Sciences
Classification: Likely benign. Review status: criteria provided, single submitter. Criteria: ACMG Guidelines, 2015. Collection method: clinical testing. Allele origin: germline.

Dr. Peter K. Rogan Lab, Western University
No classification provided (evidence only). Condition: Clear cell carcinoma of kidney. Review status: no classification provided. Collection method: in vitro. Allele origin: not applicable. Functional consequence: retained intron. Not counted in ClinVar's aggregate classification.

Dr. Peter K. Rogan Lab, Western University
No classification provided (evidence only). Condition: Lung cancer. Review status: no classification provided. Collection method: in vitro. Allele origin: not applicable. Functional consequence: retained intron. Not counted in ClinVar's aggregate classification.

Dr. Peter K. Rogan Lab, Western University
No classification provided (evidence only). Condition: Lung cancer. Review status: no classification provided. Collection method: in vitro. Allele origin: not applicable. Functional consequence: retained intron. Not counted in ClinVar's aggregate classification.

Dr. Peter K. Rogan Lab, Western University
No classification provided (evidence only). Condition: Melanoma. Review status: no classification provided. Collection method: in vitro. Allele origin: not applicable. Functional consequence: retained intron. Not counted in ClinVar's aggregate classification.

Dr. Peter K. Rogan Lab, Western University
No classification provided (evidence only). Condition: Acute myeloid leukemia. Review status: no classification provided. Collection method: in vitro. Allele origin: not applicable. Functional consequence: retained intron. Not counted in ClinVar's aggregate classification.

Dr. Peter K. Rogan Lab, Western University
No classification provided (evidence only). Condition: Thyroid cancer, nonmedullary, 1. Review status: no classification provided. Collection method: in vitro. Allele origin: not applicable. Functional consequence: retained intron. Not counted in ClinVar's aggregate classification.

Dr. Peter K. Rogan Lab, Western University
No classification provided (evidence only). Condition: Sarcoma. Review status: no classification provided. Collection method: in vitro. Allele origin: not applicable. Functional consequence: retained intron. Not counted in ClinVar's aggregate classification.

Dr. Peter K. Rogan Lab, Western University
No classification provided (evidence only). Condition: Hepatocellular carcinoma. Review status: no classification provided. Collection method: in vitro. Allele origin: not applicable. Functional consequence: retained intron. Not counted in ClinVar's aggregate classification.

Dr. Peter K. Rogan Lab, Western University
No classification provided (evidence only). Condition: Nonpapillary renal cell carcinoma. Review status: no classification provided. Collection method: in vitro. Allele origin: not applicable. Functional consequence: retained intron. Not counted in ClinVar's aggregate classification.

Dr. Peter K. Rogan Lab, Western University
No classification provided (evidence only). Condition: Nonpapillary renal cell carcinoma. Review status: no classification provided. Collection method: in vitro. Allele origin: not applicable. Functional consequence: retained intron. Not counted in ClinVar's aggregate classification.

Dr. Peter K. Rogan Lab, Western University
No classification provided (evidence only). Condition: Ovarian serous cystadenocarcinoma. Review status: no classification provided. Collection method: in vitro. Allele origin: not applicable. Functional consequence: retained intron. Not counted in ClinVar's aggregate classification.

Dr. Peter K. Rogan Lab, Western University
No classification provided (evidence only). Condition: Ovarian serous cystadenocarcinoma. Review status: no classification provided. Collection method: in vitro. Allele origin: not applicable. Functional consequence: retained intron. Not counted in ClinVar's aggregate classification.

Dr. Peter K. Rogan Lab, Western University
No classification provided (evidence only). Condition: Gastric cancer. Review status: no classification provided. Collection method: in vitro. Allele origin: not applicable. Functional consequence: retained intron. Not counted in ClinVar's aggregate classification.

Dr. Peter K. Rogan Lab, Western University
No classification provided (evidence only). Condition: Uterine carcinosarcoma. Review status: no classification provided. Collection method: in vitro. Allele origin: not applicable. Functional consequence: retained intron. Not counted in ClinVar's aggregate classification.

Literature cited by the submitters: PubMed 32746448 (cited by Mayo Clinic Laboratories, Mayo Clinic); PubMed 23861362 (cited by Women's Health and Genetics/Laboratory Corporation of America, LabCorp).